The following is an entry in ClinVar:

ClinVar aggregate classification (germline): Likely benign. Review status: criteria provided, multiple submitters, no conflicts (2 of 4 stars). 3 submissions from 3 submitters: Likely benign (3). Last evaluated 2026-05-29.

Conditions:
CACNA1C-related disorder. Also called: CACNA1C-related disorders; CACNA1C-related condition. Identifiers: MedGen CN381092, MONDO:0700321.
Cardiovascular phenotype. Identifiers: MedGen CN230736.
Long QT syndrome (LQTS). Identifiers: MedGen C0023976, MeSH D008133, MONDO:0002442. Disease mechanism: loss of function. Inheritance: Various modes of inheritance.

Allele frequency attached by ClinVar (database versions not stated): ESP Exome Variant Server 0.00008; ExAC 0.00011; 1000 Genomes Project 0.00020; TOPMed 0.00005; gnomAD exomes 0.00003 and 0.00004; gnomAD 0.00007 and 0.00006; 1000 Genomes Project 30x 0.00016.
gnomAD v4.1: 65 of 1,594,784 alleles (0.0041%); highest among the groups gnomAD compares: East Asian, 0.023%; no homozygotes.

Submissions (3):

PreventionGenetics, part of Exact Sciences
Classification: Likely benign for CACNA1C-related condition. Last evaluated: 2026-05-29. Review status: criteria provided, single submitter. Criteria: ACMG Guidelines, 2015. Collection method: clinical testing. Allele origin: germline.
Comment: This variant is classified as likely benign based on ACMG/AMP sequence variant interpretation guidelines (Richards et al. 2015 PMID: 25741868, with internal and published modifications).

Labcorp Genetics (formerly Invitae), Labcorp
Classification: Likely benign for Long QT syndrome. Last evaluated: 2025-12-08. Review status: criteria provided, single submitter. Criteria: Invitae Variant Classification Sherloc (09022015). Collection method: clinical testing. Allele origin: germline.

Ambry Genetics
Classification: Likely benign for Cardiovascular phenotype. Last evaluated: 2016-06-10. Review status: criteria provided, single submitter. Criteria: Ambry Variant Classification Scheme 2023. Collection method: clinical testing. Allele origin: germline.

NM_000719.7(CACNA1C):c.1524G>A (p.Arg508=)

Gene: CACNA1C (calcium voltage-gated channel subunit alpha1 C; plus strand). Cytogenetic location: 12p13.33.
Variant type: single nucleotide variant.
Coding change: c.1524G>A on transcript NM_000719.7 (MANE Select); coding-DNA position 1524, G replaced by A.
Protein change: p.Arg508=; no amino-acid change (arginine 508 retained).
Molecular consequence: synonymous variant.
Genome position (GRCh38, 1-based): chr12:2,566,437, G>A. VCF-style: chr12-2566437-G-A. GRCh37 (hg19) VCF-style: chr12-2675603-G-A.
Other names: c.1524G>A, p.Arg508= (NM_001129827.2, NM_001129829.2, NM_001129830.3 and 18 more transcripts); c.1515G>A, p.Arg505= (NM_001129844.2).
Identifiers: ClinVar variation 416875 (VCV000416875.16), dbSNP rs377431864, ClinGen allele CA6388811.
Genomic context (GRCh38, chr12:2,566,437, plus strand): 5'-GAATTCACAGCCAACCCCACCCTTCTCTCCCTGTCCCCTTTCCAGCCGCTACTGGCGCCG[G>A]TGGAATCGGTTCTGCAGAAGGAAGTGCCGCGCCGCAGTCAAGTCTAATGTCTTCTACTGG-3'
Protein context (NP_000710.5, residues 498-518): SKSKFSRYWR[Arg508=]WNRFCRRKCR